The following is an entry in ClinVar:

ClinVar aggregate classification (germline): Uncertain significance (1 of 4 stars; one submission).

Conditions:
Tuberous sclerosis 1 (TSC1). Identifiers: Orphanet 805, MedGen C1854465, MONDO:0008612, OMIM 191100.

Submission:

Labcorp Genetics (formerly Invitae), Labcorp
Classification: Uncertain significance for Tuberous sclerosis 1. Last evaluated: 2025-12-16. Review status: criteria provided, single submitter. Criteria: Invitae Variant Classification Sherloc (09022015). Collection method: clinical testing. Allele origin: germline.
Comment: This sequence change replaces leucine, which is neutral and non-polar, with isoleucine, which is neutral and non-polar, at codon 10 of the TSC1 protein (p.Leu10Ile). This variant is not present in population databases (gnomAD no frequency). This variant has not been reported in the literature in individuals affected with TSC1-related conditions. ClinVar contains an entry for this variant (Variation ID: 1046995). Invitae Evidence Modeling of protein sequence and biophysical properties (such as structural, functional, and spatial information, amino acid conservation, physicochemical variation, residue mobility, and thermodynamic stability) indicates that this missense variant is not expected to disrupt TSC1 protein function with a negative predictive value of 95%. In summary, the available evidence is currently insufficient to determine the role of this variant in disease. Therefore, it has been classified as a Variant of Uncertain Significance.

NM_000368.5(TSC1):c.28C>A (p.Leu10Ile)

Gene: TSC1 (TSC complex subunit 1; minus strand). Cytogenetic location: 9q34.13.
Variant type: single nucleotide variant.
Coding change: c.28C>A on transcript NM_000368.5 (MANE Select); coding-DNA position 28, C replaced by A.
Protein change: p.Leu10Ile; replaces leucine 10 with isoleucine.
Molecular consequence: missense variant. On other transcripts: 5 prime UTR variant (1).
Genome position (GRCh38, 1-based): chr9:132,928,845, G>T on the plus strand (C>A on the coding strand, the complement: TSC1 is on the minus strand). VCF-style: chr9-132928845-G-T. GRCh37 (hg19) VCF-style: chr9-135804232-G-T.
Other names: c.28C>A, p.Leu10Ile (NM_001162426.2, NM_001162427.2); c.-232C>A (NM_001362177.2); short protein forms L10I.
Identifiers: ClinVar variation 1046995 (VCV001046995.8), dbSNP rs1399717425, ClinGen allele CA375375417.
Genomic context (GRCh38, chr9:132,928,845, plus strand): 5'-TAAAGACAGCTGTCACGTCGTCCCGCACACCCAGCATGGGGGAGTCCAGCATGGCAAGAA[G>T]CTCCCCGACATTTGCTTGTTGGGCCATTCTCTCGCTCGAAGGCGCTGTGCTGGCTCCAGG-3'
Protein context (NP_000359.1, residues 1-20): MAQQANVGE[Leu10Ile]LAMLDSPMLG